The following is an entry in ClinVar:

ClinVar aggregate classification (germline): Uncertain significance. Review status: criteria provided, multiple submitters, no conflicts (2 of 4 stars). 2 submissions from 2 submitters: Uncertain significance (2). Last evaluated 2025-12-09.

Conditions:
Hereditary cancer-predisposing syndrome. Also called: Tumor predisposition; Hereditary neoplastic syndrome; Neoplastic Syndromes, Hereditary; Hereditary Cancer Syndrome. Identifiers: Orphanet 140162, MedGen C0027672, MeSH D009386, MONDO:0015356.
Parathyroid carcinoma (PRTC). Also called: Parathyroid gland carcinoma; CDC73-Related Parathyroid Carcinoma. Identifiers: Orphanet 143, MedGen C0687150, MONDO:0012004, OMIM 608266, HP:0006780.

Allele frequency attached by ClinVar (database versions not stated): gnomAD exomes below 0.00001.
gnomAD v4.1: 1 of 1,613,116 alleles (0.000062%); highest among the groups gnomAD compares: South Asian, 0.0011%; no homozygotes.

Submissions (2):

Ambry Genetics
Classification: Uncertain significance for Hereditary cancer-predisposing syndrome. Last evaluated: 2025-12-09. Review status: criteria provided, single submitter. Criteria: Ambry Variant Classification Scheme 2023. Collection method: clinical testing. Allele origin: germline.

Labcorp Genetics (formerly Invitae), Labcorp
Classification: Uncertain significance for Parathyroid carcinoma. Last evaluated: 2019-12-23. Review status: criteria provided, single submitter. Criteria: Invitae Variant Classification Sherloc (09022015). Collection method: clinical testing. Allele origin: germline.
Comment: In summary, the available evidence is currently insufficient to determine the role of this variant in disease. Therefore, it has been classified as a Variant of Uncertain Significance. Algorithms developed to predict the effect of missense changes on protein structure and function (SIFT, PolyPhen-2, Align-GVGD) all suggest that this variant is likely to be tolerated, but these predictions have not been confirmed by published functional studies and their clinical significance is uncertain. This variant has not been reported in the literature in individuals with CDC73-related conditions. This variant is not present in population databases (ExAC no frequency). This sequence change replaces proline with alanine at codon 388 of the CDC73 protein (p.Pro388Ala). The proline residue is moderately conserved and there is a small physicochemical difference between proline and alanine.

NM_024529.5(CDC73):c.1162C>G (p.Pro388Ala)

Gene: CDC73 (cell division cycle 73; plus strand). Cytogenetic location: 1q31.2.
Variant type: single nucleotide variant.
Coding change: c.1162C>G on transcript NM_024529.5 (MANE Select); coding-DNA position 1162, C replaced by G.
Protein change: p.Pro388Ala; replaces proline 388 with alanine.
Molecular consequence: missense variant.
Genome position (GRCh38, 1-based): chr1:193,233,000, C>G. VCF-style: chr1-193233000-C-G. GRCh37 (hg19) VCF-style: chr1-193202130-C-G.
Other names: short protein forms P388A.
Identifiers: ClinVar variation 845785 (VCV000845785.12), dbSNP rs1470371131, ClinGen allele CA344077722.
Genomic context (GRCh38, chr1:193,233,000, plus strand): 5'-CATTTTCATCACGTGGAATACATTGACTTTTTCTCATCTCTGTTTTTTCAAAGATTTGTC[C>G]CATCAGATGAAAAGAAGAAACAAGGTTGTCAACGAGAAAATGAAACTCTAATACAAAGAA-3'
Protein context (NP_078805.3, residues 378-398): KDLLQDLKFV[Pro388Ala]SDEKKKQGCQ